The following is an entry in ClinVar:

ClinVar aggregate classification (germline): Likely pathogenic. Review status: criteria provided, multiple submitters, no conflicts (2 of 4 stars). 4 submissions from 4 submitters: Likely pathogenic (3). 1 of the submissions does not count toward it. Last evaluated 2025-01-15.

Conditions:
Citrullinemia. Identifiers: Orphanet 187, MedGen C0175683, MONDO:0015991.
Citrullinemia, type II, adult-onset (CDAA). Also called: CITRIN DEFICIENCY, ADOLESCENT OR ADULT ONSET. Identifiers: Orphanet 247585, MedGen CN295299, MONDO:0011326, OMIM 603471.
Citrin deficiency. Identifiers: Orphanet 247582, MedGen C1997910, MONDO:0016602.
Neonatal intrahepatic cholestasis due to citrin deficiency (CDNI). Also called: Neonatal Intrahepatic Cholestasis Caused by Citrin Deficiency (NICCD); Neonatal-onset citrullinemia type II; Neonatal-onset citrullinemia type 2; CITRIN DEFICIENCY, NEONATAL OR INFANTILE ONSET. Identifiers: Orphanet 247598, MedGen C1853942, MONDO:0011601, OMIM 605814.

Allele frequency attached by ClinVar (database versions not stated): gnomAD exomes below 0.00001 and 0.00001.
gnomAD v4.1: 8 of 1,614,160 alleles (0.0005%); highest among the groups gnomAD compares: East Asian, 0.018%; no homozygotes.

Submissions (4):

Natera, Inc.
Classification: Likely pathogenic for Citrullinemia. Last evaluated: 2025-01-15. Review status: criteria provided, single submitter. Criteria: Natera Variant Classification Schema (03/2026). Collection method: clinical testing. Allele origin: germline.
Comment: The c.1592G>A variant in SLC25A13 is a missense variant predicted to cause substitution of glycine to aspartic acid at amino acid 531. This variant is rare in the general population with a frequency below the threshold expected for the associated phenotype(s). This variant has been observed in one or more individuals affected with the associated recessive disease, as either homozygous or compound heterozygous with a second variant (PMID: 35142380, 18392553, 23701493). Additionally, this variant has been observed to segregate in affected family members (PMID: 35142380). Computational prediction algorithms indicate this variant is likely to affect gene or protein function. Given the available evidence, this variant is classified as Likely Pathogenic.

Baylor Genetics
Classification: Likely pathogenic for Citrullinemia, type II, adult-onset. Last evaluated: 2024-01-21. Review status: criteria provided, single submitter. Criteria: ACMG Guidelines, 2015. Collection method: clinical testing. Allele origin: unknown.

Labcorp Genetics (formerly Invitae), Labcorp
Classification: Likely pathogenic for Citrin deficiency. Last evaluated: 2023-07-29. Review status: criteria provided, single submitter. Criteria: Invitae Variant Classification Sherloc (09022015). Collection method: clinical testing. Allele origin: germline.
Comment: Experimental studies have shown that this missense change affects SLC25A13 function (PMID: 23053473). In summary, the currently available evidence indicates that the variant is pathogenic, but additional data are needed to prove that conclusively. Therefore, this variant has been classified as Likely Pathogenic. An algorithm developed to predict the effect of missense changes on protein structure and function (PolyPhen-2) suggests that this variant is likely to be disruptive. ClinVar contains an entry for this variant (Variation ID: 21509). This missense change has been observed in individual(s) with clinical features of citrin deficiency (PMID: 23701493, 26858187). In at least one individual the data is consistent with being in trans (on the opposite chromosome) from a pathogenic variant. This variant is present in population databases (rs80338724, gnomAD 0.006%). This sequence change replaces glycine, which is neutral and non-polar, with aspartic acid, which is acidic and polar, at codon 531 of the SLC25A13 protein (p.Gly531Asp).

GeneReviews
No classification provided. Condition: Neonatal intrahepatic cholestasis due to citrin deficiency. Review status: no classification provided. Collection method: literature only. Allele origin: unknown. Not counted in ClinVar's aggregate classification.

Literature cited by the submitters: PubMed 35142380 (cited by Natera, Inc.); PubMed 18392553 (cited by Natera, Inc. and GeneReviews); PubMed 23701493 (cited by Natera, Inc. and Labcorp Genetics (formerly Invitae), Labcorp); PubMed 23053473 (cited by Labcorp Genetics (formerly Invitae), Labcorp); PubMed 26858187 (cited by Labcorp Genetics (formerly Invitae), Labcorp); PubMed 20301360 (cited by GeneReviews); NCBI Bookshelf NBK1181 (cited by GeneReviews).

NM_014251.3(SLC25A13):c.1592G>A (p.Gly531Asp)

Gene: SLC25A13 (solute carrier family 25 member 13; minus strand). Cytogenetic location: 7q21.3.
Variant type: single nucleotide variant.
Coding change: c.1592G>A on transcript NM_014251.3 (MANE Select); coding-DNA position 1592, G replaced by A.
Protein change: p.Gly531Asp; replaces glycine 531 with aspartic acid.
Molecular consequence: missense variant. On other transcripts: non-coding transcript variant (1).
Genome position (GRCh38, 1-based): chr7:96,121,997, C>T on the plus strand (G>A on the coding strand, the complement: SLC25A13 is on the minus strand). VCF-style: chr7-96121997-C-T. GRCh37 (hg19) VCF-style: chr7-95751309-C-T.
Other names: c.1595G>A, p.Gly532Asp (NM_001160210.2); short protein forms G531D, G532D.
Identifiers: ClinVar variation 21509 (VCV000021509.16), dbSNP rs80338724, ClinGen allele CA342150.